The following is an entry in ClinVar:

NM_001220.5(CAMK2B):c.859_867del (p.Thr287_Glu289del)

Gene: CAMK2B (calcium/calmodulin dependent protein kinase II beta; minus strand). Cytogenetic location: 7p13.
Variant type: Deletion.
Coding change: c.859_867del on transcript NM_001220.5 (MANE Select); coding-DNA positions 859 to 867, 9 bases deleted (ACTGTGGAG; older notation c.859_867delACTGTGGAG).
Protein change: p.Thr287_Glu289del.
Genome position (GRCh38, 1-based): chr7:44,241,736-44,241,744, CTCCACAGT deleted on the plus strand (ACTGTGGAG on the coding strand, the reverse complement: CAMK2B is on the minus strand); deleting any 9 consecutive bases within chr7:44,241,736-44,241,748 gives the same sequence; the c. name uses the placement nearest the transcript's 3' end. VCF-style (leftmost placement, unchanged base first): chr7-44241735-ACTCCACAGT-A. GRCh37 (hg19) VCF-style: chr7-44281334-ACTCCACAGT-A.
Other names: c.859_867del, p.Thr287_Glu289del (NM_001293170.2, NM_172078.3, NM_172079.3 and 5 more transcripts).
Identifiers: ClinVar variation 3055047 (VCV003055047.2), dbSNP rs2486009114, ClinGen allele CA2740097342.

ClinVar aggregate classification (germline): Uncertain significance (0 of 4 stars; one submission).

Conditions:
CAMK2B-related disorder. Also called: CAMK2B-related condition.

Submission:

PreventionGenetics, part of Exact Sciences
Classification: Uncertain significance for CAMK2B-related condition. Last evaluated: 2023-11-29. Review status: no assertion criteria provided. Collection method: clinical testing. Allele origin: germline.
Comment: The CAMK2B c.859_867del9 variant is predicted to result in an in-frame deletion (p.Thr287_Glu289del). To our knowledge, this variant has not been reported in the literature or in a large population database, indicating this variant is rare. At this time, the clinical significance of this variant is uncertain due to the absence of conclusive functional and genetic evidence.